The following is an entry in ClinVar:

ClinVar aggregate classification (germline): Pathogenic. Review status: criteria provided, multiple submitters, no conflicts (2 of 4 stars). 4 submissions from 4 submitters: Pathogenic (4). Last evaluated 2025-09-15.

Conditions:
Congenital myotonia, autosomal recessive form. Also called: myotonia congenita, autosomal recessive; BECKER DISEASE; Becker Generalized Myotonia. Identifiers: Orphanet 614, MedGen C0751360, MONDO:0009715, OMIM 255700.
Congenital myotonia, autosomal dominant form (THD). Also called: THOMSEN DISEASE; Myotonia congenita autosomal dominant. Identifiers: Orphanet 614, MedGen C2936781, MONDO:0008055, OMIM 160800.

Allele frequency attached by ClinVar (database versions not stated): gnomAD 0.00001; gnomAD exomes 0.00001; TOPMed 0.00001.
gnomAD v4.1: 17 of 1,614,058 alleles (0.0011%); highest among the groups gnomAD compares: Non-Finnish European, 0.0014%; no homozygotes.

Submissions (4):

Labcorp Genetics (formerly Invitae), Labcorp
Classification: Pathogenic for Congenital myotonia, autosomal recessive form; Congenital myotonia, autosomal dominant form. Last evaluated: 2025-09-15. Review status: criteria provided, single submitter. Criteria: Invitae Variant Classification Sherloc (09022015). Collection method: clinical testing. Allele origin: germline.
Comment: This sequence change creates a premature translational stop signal (p.Trp303*) in the CLCN1 gene. It is expected to result in an absent or disrupted protein product. Loss-of-function variants in CLCN1 are known to be pathogenic (PMID: 17932099, 22094069, 23739125). This variant is not present in population databases (gnomAD no frequency). This premature translational stop signal has been observed in individual(s) with autosomal recessive Becker disease (PMID: 22197187, 24349310). In at least one individual the data is consistent with being in trans (on the opposite chromosome) from a pathogenic variant. ClinVar contains an entry for this variant (Variation ID: 447075). For these reasons, this variant has been classified as Pathogenic.

Institute of Human Genetics, University of Leipzig Medical Center
Classification: Pathogenic for Congenital myotonia, autosomal recessive form. Last evaluated: 2024-06-18. Review status: criteria provided, single submitter. Criteria: ACMG Guidelines, 2015. Collection method: clinical testing. Allele origin: maternal. Affected: yes.
Comment: Criteria applied: PVS1,PM3,PM2_SUP

Mayo Clinic Laboratories, Mayo Clinic
Classification: Pathogenic. Last evaluated: 2024-04-04. Review status: criteria provided, single submitter. Criteria: ACMG Guidelines, 2015. Collection method: clinical testing. Allele origin: germline. Observed: 1 variant allele.
Comment: PM2_moderate, PM3_supporting, PVS1

Athena Diagnostics
Classification: Pathogenic. Last evaluated: 2020-06-02. Review status: criteria provided, single submitter. Criteria: Athena Diagnostics Criteria. Collection method: clinical testing. Allele origin: unknown.
Comment: The variant creates a premature nonsense codon, and is therefore predicted to result in the loss of a functional protein. Found in at least one patient with expected phenotype for this gene, and not found in general population data.

Literature cited by the submitters: PubMed 17932099 (cited by Labcorp Genetics (formerly Invitae), Labcorp and Mayo Clinic Laboratories, Mayo Clinic); PubMed 22094069 (cited by Labcorp Genetics (formerly Invitae), Labcorp); PubMed 23739125 (cited by Labcorp Genetics (formerly Invitae), Labcorp); PubMed 22197187 (cited by 3 submitters); PubMed 24349310 (cited by 3 submitters); PubMed 29606556 (cited by Mayo Clinic Laboratories, Mayo Clinic and Athena Diagnostics).

NM_000083.3(CLCN1):c.908G>A (p.Trp303Ter)

Gene: CLCN1 (chloride voltage-gated channel 1; plus strand). Cytogenetic location: 7q34.
Variant type: single nucleotide variant.
Coding change: c.908G>A on transcript NM_000083.3 (MANE Select); coding-DNA position 908, G replaced by A.
Protein change: p.Trp303Ter; replaces tryptophan 303 with a stop codon.
Molecular consequence: nonsense. On other transcripts: non-coding transcript variant (1).
Genome position (GRCh38, 1-based): chr7:143,330,826, G>A. VCF-style: chr7-143330826-G-A. GRCh37 (hg19) VCF-style: chr7-143027919-G-A.
Other names: short protein forms W303*.
Identifiers: ClinVar variation 447075 (VCV000447075.13), dbSNP rs1229066957, ClinGen allele CA10575434.